The following is an entry in ClinVar:

NM_004525.3(LRP2):c.5120C>T (p.Ser1707Phe)

Gene: LRP2 (LDL receptor related protein 2; minus strand). Cytogenetic location: 2q31.1.
Variant type: single nucleotide variant.
Coding change: c.5120C>T on transcript NM_004525.3 (MANE Select); coding-DNA position 5120, C replaced by T.
Protein change: p.Ser1707Phe; replaces serine 1707 with phenylalanine.
Molecular consequence: missense variant.
Genome position (GRCh38, 1-based): chr2:169,231,821, G>A on the plus strand (C>T on the coding strand, the complement: LRP2 is on the minus strand). VCF-style: chr2-169231821-G-A. GRCh37 (hg19) VCF-style: chr2-170088331-G-A.
Other names: short protein forms S1707F.
Identifiers: ClinVar variation 1285607 (VCV001285607.5), dbSNP rs745788682, ClinGen allele CA1954605.
Genomic context (GRCh38, chr2:169,231,821, plus strand): 5'-CAAACACAGGAGTAAAAATGAGGCCCCTGTGAGGAAAGCAGGCAGAGATGGCTGCAGCGG[G>A]AAAAGGCACATGGATTCACGGCTGCATGAGAAAGAGAAGAAAGCACCAGTAAGTGGAAAA-3'
Protein context (NP_004516.2, residues 1697-1717): QPNSVNPCAF[Ser1707Phe]RCSHLCLLSS

ClinVar aggregate classification (germline): Uncertain significance. Review status: criteria provided, multiple submitters, no conflicts (2 of 4 stars). 4 submissions from 4 submitters: Uncertain significance (3). 1 of the submissions does not count toward it. Last evaluated 2025-06-13.

Conditions:
DSD incomplete virilization.

Allele frequency attached by ClinVar (database versions not stated): gnomAD exomes 0.00008; ExAC 0.00011.
gnomAD v4.1: 57 of 1,613,984 alleles (0.0035%); highest among the groups gnomAD compares: South Asian, 0.055%; no homozygotes.

Submissions (4):

Women's Health and Genetics/Laboratory Corporation of America, LabCorp
Classification: Uncertain significance. Last evaluated: 2025-06-13. Review status: criteria provided, single submitter. Criteria: LabCorp Variant Classification Summary - May 2015. Collection method: clinical testing. Allele origin: germline.
Comment: Variant summary: LRP2 c.5120C>T (p.Ser1707Phe) results in a non-conservative amino acid change in the encoded protein sequence. Algorithms developed to predict the effect of missense changes on protein structure and function are either unavailable or do not agree on the potential impact of this missense change. The variant allele was found at a frequency of 8e-05 in 251098 control chromosomes. This frequency is not significantly higher than estimated for a pathogenic variant in LRP2 causing Donnai Barrow Syndrome (8e-05 vs 0.0011), allowing no conclusion about variant significance. c.5120C>T has been observed in at least one individual affected with 46 XX disorder of sex development (Marko_2022). The report does not provide unequivocal conclusions about association of the variant with Donnai Barrow Syndrome. To our knowledge, no experimental evidence demonstrating an impact on protein function has been reported. The following publications have been ascertained in the context of this evaluation (PMID: 36807241, 34979047). ClinVar contains an entry for this variant (Variation ID: 1285607). Based on the evidence outlined above, the variant was classified as uncertain significance.

Blueprint Genetics
Classification: Uncertain significance. Last evaluated: 2024-09-24. Review status: criteria provided, single submitter. Criteria: ACMG Guidelines, 2015. Collection method: clinical testing. Allele origin: germline.

Labcorp Genetics (formerly Invitae), Labcorp
Classification: Uncertain significance. Last evaluated: 2022-08-19. Review status: criteria provided, single submitter. Criteria: Invitae Variant Classification Sherloc (09022015). Collection method: clinical testing. Allele origin: germline.
Comment: This sequence change replaces serine, which is neutral and polar, with phenylalanine, which is neutral and non-polar, at codon 1707 of the LRP2 protein (p.Ser1707Phe). This variant is present in population databases (rs745788682, gnomAD 0.05%). This variant has not been reported in the literature in individuals affected with LRP2-related conditions. ClinVar contains an entry for this variant (Variation ID: 1285607). Advanced modeling of protein sequence and biophysical properties (such as structural, functional, and spatial information, amino acid conservation, physicochemical variation, residue mobility, and thermodynamic stability) performed at Invitae indicates that this missense variant is expected to disrupt LRP2 protein function. In summary, the available evidence is currently insufficient to determine the role of this variant in disease. Therefore, it has been classified as a Variant of Uncertain Significance.

Ulrich Schweizer laboratory, Universitaetsklinikum Bonn
Classification: Likely pathogenic for DSD incomplete virilization. Last evaluated: 2021-09-01. Review status: no assertion criteria provided. Collection method: clinical testing. Allele origin: unknown. Affected: yes. Not counted in ClinVar's aggregate classification.

Literature cited by the submitters: PubMed 36807241 (cited by Women's Health and Genetics/Laboratory Corporation of America, LabCorp); PubMed 34979047 (cited by Women's Health and Genetics/Laboratory Corporation of America, LabCorp and Ulrich Schweizer laboratory, Universitaetsklinikum Bonn).